The following is an entry in ClinVar:

NM_001080453.3(INTS1):c.242C>T (p.Ser81Phe)

Gene: INTS1 (integrator complex subunit 1; minus strand). Cytogenetic location: 7p22.3.
Variant type: single nucleotide variant.
Coding change: c.242C>T on transcript NM_001080453.3 (MANE Select); coding-DNA position 242, C replaced by T.
Protein change: p.Ser81Phe; replaces serine 81 with phenylalanine.
Molecular consequence: missense variant.
Genome position (GRCh38, 1-based): chr7:1,503,008, G>A on the plus strand (C>T on the coding strand, the complement: INTS1 is on the minus strand). VCF-style: chr7-1503008-G-A. GRCh37 (hg19) VCF-style: chr7-1542644-G-A.
Other names: short protein forms S81F.
Identifiers: ClinVar variation 5008146 (VCV005008146.1).
Genomic context (GRCh38, chr7:1,503,008, plus strand): 5'-CGTTTTTCTGCCACTGCAGCCTCAGCCAGGCGCCCCAGGGCACTCAGAGGGGGTGTGGAG[G>A]AGAGTTTGGGGCGTTTGGTGAGACCGGTGAGGGCCGAGGCACTGGACAACGCGGCCGCCG-3'
Protein context (NP_001073922.2, residues 71-91): LTGLTKRPKL[Ser81Phe]STPPLSALGR

ClinVar aggregate classification (germline): Uncertain significance (1 of 4 stars; one submission).

gnomAD v4.1: 4 of 1,613,834 alleles (0.00025%); highest among the groups gnomAD compares: South Asian, 0.0011%; no homozygotes.

Submission:

GeneDx
Classification: Uncertain significance. Last evaluated: 2026-02-26. Review status: criteria provided, single submitter. Criteria: GeneDx Variant Classification Process June 2021. Collection method: clinical testing. Allele origin: germline.
Comment: Not observed at significant frequency in large population cohorts (gnomAD); In silico analysis supports that this missense variant has a deleterious effect on protein structure/function; Has not been previously published as pathogenic or benign to our knowledge